The following is an entry in ClinVar:

NM_000123.4(ERCC5):c.312A>G (p.Lys104=)

Genes: BIVM-ERCC5 (BIVM-ERCC5 readthrough; plus strand), ERCC5 (ERCC excision repair 5, endonuclease; plus strand). Cytogenetic location: 13q33.1.
Variant type: single nucleotide variant.
Coding change: c.312A>G on transcript NM_000123.4 (MANE Select); coding-DNA position 312, A replaced by G.
Protein change: p.Lys104=; no amino-acid change (lysine 104 retained).
Molecular consequence: synonymous variant.
Genome position (GRCh38, 1-based): chr13:102,853,804, A>G. VCF-style: chr13-102853804-A-G. GRCh37 (hg19) VCF-style: chr13-103506154-A-G.
Other names: c.1674A>G, p.Lys558= (NM_001204425.2).
Identifiers: ClinVar variation 4810312 (VCV004810312.2).
Genomic context (GRCh38, chr13:102,853,804, plus strand): 5'-TTTCTTCTCATAGGTGAAGAGAAGGCAGAGAAAGGACTTAGCGTCCAGTGACTCCAGGAA[A>G]ACGACAGAGAAGCTTCTGAAAACATTTTTGAAAAGACAAGCCATCAAAACTGCCTTCAGA-3'
Protein context (NP_000114.3, residues 94-114): RKDLASSDSR[Lys104=]TTEKLLKTFL

ClinVar aggregate classification (germline): Likely benign. Review status: criteria provided, multiple submitters, no conflicts (2 of 4 stars). 2 submissions from 2 submitters: Likely benign (2). Last evaluated 2026-09-01.

gnomAD v4.1: 13 of 1,614,124 alleles (0.00081%); highest among the groups gnomAD compares: Non-Finnish European, 0.001%; no homozygotes.

Submissions (2):

CeGaT Center for Human Genetics Tuebingen
Classification: Likely benign. Last evaluated: 2026-09-01. Review status: criteria provided, single submitter. Criteria: CeGaT Center For Human Genetics Tuebingen Variant Classification Criteria Version 2. Collection method: clinical testing. Allele origin: germline. Affected: yes. Observed: 1 variant allele.
Comment: ERCC5: BP4, BP7

Labcorp Genetics (formerly Invitae), Labcorp
Classification: Likely benign. Last evaluated: 2025-11-26. Review status: criteria provided, single submitter. Criteria: Invitae Variant Classification Sherloc (09022015). Collection method: clinical testing. Allele origin: germline.